The following is an entry in ClinVar:

ClinVar aggregate classification (germline): Uncertain significance (1 of 4 stars; one submission).

Conditions:
Peroxisome biogenesis disorder 12A (Zellweger). Also called: Peroxisome biogenesis disorder 12A. Identifiers: Orphanet 912, MedGen C3554002, MONDO:0013951, OMIM 614886.

gnomAD v4.1: 2 of 1,614,008 alleles (0.00012%); highest among the groups gnomAD compares: African/African-American, 0.0013%; no homozygotes.

Submission:

Labcorp Genetics (formerly Invitae), Labcorp
Classification: Uncertain significance for Peroxisome biogenesis disorder 12A (Zellweger). Last evaluated: 2022-03-18. Review status: criteria provided, single submitter. Criteria: Invitae Variant Classification Sherloc (09022015). Collection method: clinical testing. Allele origin: germline.
Comment: This sequence change replaces serine, which is neutral and polar, with phenylalanine, which is neutral and non-polar, at codon 81 of the PEX19 protein (p.Ser81Phe). The frequency data for this variant in the population databases is considered unreliable, as metrics indicate poor data quality at this position in the gnomAD database. This variant has not been reported in the literature in individuals affected with PEX19-related conditions. ClinVar contains an entry for this variant (Variation ID: 1000374). Algorithms developed to predict the effect of missense changes on protein structure and function are either unavailable or do not agree on the potential impact of this missense change (SIFT: "Deleterious"; PolyPhen-2: "Possibly Damaging"; Align-GVGD: "Class C0"). In summary, the available evidence is currently insufficient to determine the role of this variant in disease. Therefore, it has been classified as a Variant of Uncertain Significance.

NM_002857.4(PEX19):c.242C>T (p.Ser81Phe)

Gene: PEX19 (peroxisomal biogenesis factor 19; minus strand). Cytogenetic location: 1q23.2.
Variant type: single nucleotide variant.
Coding change: c.242C>T on transcript NM_002857.4 (MANE Select); coding-DNA position 242, C replaced by T.
Protein change: p.Ser81Phe; replaces serine 81 with phenylalanine.
Molecular consequence: missense variant. On other transcripts: non-coding transcript variant (2).
Genome position (GRCh38, 1-based): chr1:160,283,048, G>A on the plus strand (C>T on the coding strand, the complement: PEX19 is on the minus strand). VCF-style: chr1-160283048-G-A. GRCh37 (hg19) VCF-style: chr1-160252838-G-A.
Other names: c.242C>T, p.Ser81Phe (NM_001193644.1); short protein forms S81F.
Identifiers: ClinVar variation 1000374 (VCV001000374.6), dbSNP rs766263544, ClinGen allele CA343263435.